The following is an entry in ClinVar:

NM_015488.5(PNKD):c.610C>G (p.Leu204Val)

Genes: CATIP-AS2 (CATIP antisense RNA 2; minus strand), PNKD (PNKD metallo-beta-lactamase domain containing; plus strand). Cytogenetic location: 2q35.
Variant type: single nucleotide variant.
Coding change: c.610C>G on transcript NM_015488.5 (MANE Select); coding-DNA position 610, C replaced by G.
Protein change: p.Leu204Val; replaces leucine 204 with valine.
Molecular consequence: missense variant.
Genome position (GRCh38, 1-based): chr2:218,341,619, C>G. VCF-style: chr2-218341619-C-G. GRCh37 (hg19) VCF-style: chr2-219206342-C-G.
Other names: c.538C>G, p.Leu180Val (NM_022572.5); short protein forms L204V, L180V.
Identifiers: ClinVar variation 2168066 (VCV002168066.4), dbSNP rs2469466611, ClinGen allele CA350540752.

ClinVar aggregate classification (germline): Uncertain significance (1 of 4 stars; one submission).

Conditions:
Paroxysmal nonkinesigenic dyskinesia. Also called: Paroxysmal non-kinesigenic dyskinesia. Identifiers: Orphanet 98810, MedGen C1869117, MONDO:0700088.

Submission:

Labcorp Genetics (formerly Invitae), Labcorp
Classification: Uncertain significance for Paroxysmal nonkinesigenic dyskinesia. Last evaluated: 2022-09-01. Review status: criteria provided, single submitter. Criteria: Invitae Variant Classification Sherloc (09022015). Collection method: clinical testing. Allele origin: germline.
Comment: In summary, the available evidence is currently insufficient to determine the role of this variant in disease. Therefore, it has been classified as a Variant of Uncertain Significance. Algorithms developed to predict the effect of missense changes on protein structure and function (SIFT, PolyPhen-2, Align-GVGD) all suggest that this variant is likely to be tolerated. This variant has not been reported in the literature in individuals affected with PNKD-related conditions. This variant is not present in population databases (gnomAD no frequency). This sequence change replaces leucine, which is neutral and non-polar, with valine, which is neutral and non-polar, at codon 204 of the PNKD protein (p.Leu204Val).